The following is an entry in ClinVar:

NM_001458.5(FLNC):c.5618T>A (p.Met1873Lys)

Genes: FLNC-AS1 (FLNC antisense RNA 1; minus strand), FLNC (filamin C; plus strand). Cytogenetic location: 7q32.1.
Variant type: single nucleotide variant.
Coding change: c.5618T>A on transcript NM_001458.5 (MANE Select); coding-DNA position 5618, T replaced by A.
Protein change: p.Met1873Lys; replaces methionine 1873 with lysine.
Molecular consequence: missense variant.
Genome position (GRCh38, 1-based): chr7:128,851,310, T>A. VCF-style: chr7-128851310-T-A. GRCh37 (hg19) VCF-style: chr7-128491364-T-A.
Other names: c.5519T>A, p.Met1840Lys (NM_001127487.2); short protein forms M1840K, M1873K.
Identifiers: ClinVar variation 849824 (VCV000849824.1), dbSNP rs1808801511, ClinGen allele CA369207588.

ClinVar aggregate classification (germline): Uncertain significance (1 of 4 stars; one submission).

Conditions:
Dilated Cardiomyopathy, Dominant.
Myofibrillar myopathy 5. Also called: FILAMINOPATHY, AUTOSOMAL DOMINANT; Filaminopathy (type). Identifiers: Orphanet 171445, MedGen C1836050, MONDO:0012289, OMIM 609524.
Distal myopathy with posterior leg and anterior hand involvement. Also called: WILLIAMS DISTAL MYOPATHY. Identifiers: Orphanet 63273, MedGen C3279722, MONDO:0013550, OMIM 614065.
Hypertrophic cardiomyopathy 26. Also called: Cardiomyopathy, familial hypertrophic, 26. Identifiers: Orphanet 75249, MedGen C4310749, MONDO:0014883, OMIM 617047.

Submission:

Labcorp Genetics (formerly Invitae), Labcorp
Classification: Uncertain significance for Myopathy, distal, 4; Dilated Cardiomyopathy, Dominant; Myofibrillar myopathy, filamin C-related; Cardiomyopathy, familial hypertrophic, 26. Last evaluated: 2019-02-05. Review status: criteria provided, single submitter. Criteria: Invitae Variant Classification Sherloc (09022015). Collection method: clinical testing. Allele origin: germline.
Comment: This sequence change replaces methionine with lysine at codon 1873 of the FLNC protein (p.Met1873Lys). The methionine residue is moderately conserved and there is a moderate physicochemical difference between methionine and lysine. This variant is not present in population databases (ExAC no frequency). This variant has not been reported in the literature in individuals with FLNC-related conditions. Algorithms developed to predict the effect of missense changes on protein structure and function (SIFT, PolyPhen-2, Align-GVGD) all suggest that this variant is likely to be tolerated, but these predictions have not been confirmed by published functional studies and their clinical significance is uncertain. In summary, the available evidence is currently insufficient to determine the role of this variant in disease. Therefore, it has been classified as a Variant of Uncertain Significance.